The following is an entry in ClinVar:

NM_005413.4(SIX3):c.799A>T (p.Lys267Ter)

Gene: SIX3 (SIX homeobox 3; plus strand). Cytogenetic location: 2p21.
Variant type: single nucleotide variant.
Coding change: c.799A>T on transcript NM_005413.4 (MANE Select); coding-DNA position 799, A replaced by T.
Protein change: p.Lys267Ter; replaces lysine 267 with a stop codon.
Molecular consequence: nonsense.
Genome position (GRCh38, 1-based): chr2:44,942,903, A>T. VCF-style: chr2-44942903-A-T. GRCh37 (hg19) VCF-style: chr2-45170042-A-T.
Other names: short protein forms K267*.
Identifiers: ClinVar variation 4997589 (VCV004997589.1).
Genomic context (GRCh38, chr2:44,942,903, plus strand): 5'-CCCACACAAGTAGGCAACTGGTTTAAGAACCGGCGGCAGCGCGACCGCGCCGCGGCGGCC[A>T]AGAACAGGTTAGTGGCGGGGCCCGCGGCCTGGCTACAGCCTCAGAGGCCTGGGAAGGGGA-3'

ClinVar aggregate classification (germline): Likely pathogenic (1 of 4 stars; one submission).

Conditions:
SIX3-related disorder. Also called: SIX3-related condition; SIX3-Related Disorders.

Submission:

PreventionGenetics, part of Exact Sciences
Classification: Likely pathogenic for SIX3-related condition. Last evaluated: 2025-08-27. Review status: criteria provided, single submitter. Criteria: ACMG Guidelines, 2015. Collection method: clinical testing. Allele origin: germline.
Comment: The SIX3 c.799A>T variant is predicted to result in premature protein termination (p.Lys267*). To our knowledge, this variant has not been reported in the literature or in a large population database (gnomAD), indicating this variant is rare. Nonsense variants in SIX3 are expected to be pathogenic. This variant is interpreted as likely pathogenic.